The following is an entry in ClinVar:

NM_030962.4(SBF2):c.1611G>C (p.Met537Ile)

Gene: SBF2 (SET binding factor 2; minus strand). Cytogenetic location: 11p15.4.
Variant type: single nucleotide variant.
Coding change: c.1611G>C on transcript NM_030962.4 (MANE Select); coding-DNA position 1611, G replaced by C.
Protein change: p.Met537Ile; replaces methionine 537 with isoleucine.
Molecular consequence: missense variant.
Genome position (GRCh38, 1-based): chr11:9,963,872, C>G on the plus strand (G>C on the coding strand, the complement: SBF2 is on the minus strand). VCF-style: chr11-9963872-C-G. GRCh37 (hg19) VCF-style: chr11-9985419-C-G.
Other names: c.1611G>C, p.Met537Ile (NM_001386339.1); c.1482G>C, p.Met494Ile (NM_001386342.1); c.1647G>C, p.Met549Ile (NM_001424318.1, NM_001425069.1, NM_001425070.1); short protein forms M494I, M549I, M537I.
Identifiers: ClinVar variation 4983047 (VCV004983047.1).

ClinVar aggregate classification (germline): Uncertain significance (1 of 4 stars; one submission).

Conditions:
SBF2-related disorder. Also called: SBF2-related condition.

Submission:

PreventionGenetics, part of Exact Sciences
Classification: Uncertain significance for SBF2-related condition. Last evaluated: 2025-09-11. Review status: criteria provided, single submitter. Criteria: ACMG Guidelines, 2015. Collection method: clinical testing. Allele origin: germline.
Comment: The SBF2 c.1611G>C variant is predicted to result in the amino acid substitution p.Met537Ile. To our knowledge, this variant has not been reported in the literature or in a large population database (gnomAD), indicating this variant is rare. At this time, the clinical significance of this variant is uncertain due to the absence of conclusive functional and genetic evidence.